The following is an entry in ClinVar:

NM_001371623.1(TCOF1):c.4139dup (p.Glu1381fs)

Gene: TCOF1 (treacle ribosome biogenesis factor 1; plus strand). Cytogenetic location: 5q32.
Variant type: Duplication.
Coding change: c.4139dup on transcript NM_001371623.1 (MANE Select); coding-DNA position 4139, one base duplicated (C; older notation c.4139dupC).
Protein change: p.Glu1381fs; shifts the reading frame from glutamic acid 1381.
Molecular consequence: frameshift variant.
Genome position (GRCh38, 1-based): chr5:150,396,636, C duplicated; the last of 4 consecutive C bases (chr5:150,396,633-150,396,636); duplicating any one gives the same sequence. VCF-style (leftmost placement, unchanged base first): chr5-150396632-T-TC. GRCh37 (hg19) VCF-style: chr5-149776195-T-TC.
Other names: c.3905dup, p.Glu1303fs (NM_000356.4); c.4136dup, p.Glu1380fs (NM_001135243.2); c.4025dup, p.Glu1343fs (NM_001135244.2); c.3908dup, p.Glu1304fs (NM_001135245.2); c.4022dup, p.Glu1342fs (NM_001195141.2); c.4136dupC (NM_001135243.1); short protein forms E1381fs, E1342fs, E1303fs, E1380fs, E1304fs, E1343fs.
Identifiers: ClinVar variation 817386 (VCV000817386.1), dbSNP rs1581224984, ClinGen allele CA915942665.
Genomic context (GRCh38, chr5:150,396,632, plus strand): 5'-ACCCCCAGGAGCAAGAAGAAGAAGAAGCTGGGGGCCGGGGAAGGTGGGGAGGCCTCTGTT[T>TC]CCCCAGAAAAGACCTCCACGACTTCCAAGGGGAAAGCAAAGAGAGACAAAGCAAGTGGTG-3'

ClinVar aggregate classification (germline): Pathogenic (1 of 4 stars; one submission).

Submission:

GeneDx
Classification: Pathogenic. Last evaluated: 2019-01-03. Review status: criteria provided, single submitter. Criteria: GeneDx Variant Classification (06012015). Collection method: clinical testing. Allele origin: germline. Affected: yes.
Comment: The c.4136dupC variant has not been published as a pathogenic variant, nor has it been reported as a benign variant to our knowledge. The variant is not observed in large population cohorts (Lek et al., 2016). It causes a frameshift starting with codon Glutamic acid 1380, changes this amino acid to an Arginine residue and creates a premature Stop codon at position 19 of the new reading frame, denoted p.Glu1380ArgfsX19. This variant is predicted to cause loss of normal protein function either through protein truncation or nonsense-mediated mRNA decay. We consider this variant to be pathogenic.